The following is an entry in ClinVar:

ClinVar aggregate classification (germline): Pathogenic (0 of 4 stars; one submission).

Submission:

ISCA Site 6
Classification: Pathogenic. Last evaluated: 2018-02-05. Review status: no assertion criteria provided. Collection method: clinical testing. Allele origin: maternal, unknown. Affected: yes. Observed: 2 variant alleles.
Comment: includes 16p11.2 recurrent region (includes TBX6) (proximal region) (BP4-BP5) (hg19 chr16: 29,649,996-30,199,855, enriched in cases with ID/DD, MCA etc vs controls, ClinGen triplosensitivity score = 3)

Copy number variation identified through the course of routine clinical cytogenomic testing in postnatal populations. Clinical assertions have been curated as described in Kaminsky et al. 2011.

Copy number variation identified through the course of routine clinical cytogenomic testing in postnatal populations. Clinical assertions have been curated as described in Kaminsky, et al. 2011 (PubMed 21844811). For additional ClinGen data, please see nstd37.

GRCh38/hg38 16p11.2(chr16:29441012-30323310)x3

Genes: ALDOA (aldolase, fructose-bisphosphate A; plus strand), ASPHD1 (aspartate beta-hydroxylase domain containing 1; plus strand), BOLA2 (bolA family member 2; minus strand), BOLA2-SMG1P6 (BOLA2-SMG1P6 readthrough; minus strand), BOLA2B (bolA family member 2B; minus strand) and 115 more. Cytogenetic location: 16p11.2.
Variant type: copy number gain.
Change: copy number 3 (three copies instead of two) of chr16:29,441,012-30,323,310 (882.3 kb, GRCh38 coordinates, 1-based), cytogenetic band 16p11.2.
Identifiers: ClinVar variation 60464 (VCV000060464.4).